The following is an entry in ClinVar:

NM_006019.4(TCIRG1):c.2443G>C (p.Gly815Arg)

Gene: TCIRG1 (T cell immune regulator 1, ATPase H+ transporting V0 subunit a3; plus strand). Cytogenetic location: 11q13.2.
Variant type: single nucleotide variant.
Coding change: c.2443G>C on transcript NM_006019.4 (MANE Select); coding-DNA position 2443, G replaced by C.
Protein change: p.Gly815Arg; replaces glycine 815 with arginine.
Molecular consequence: missense variant.
Genome position (GRCh38, 1-based): chr11:68,050,769, G>C. VCF-style: chr11-68050769-G-C. GRCh37 (hg19) VCF-style: chr11-67818236-G-C.
Other names: c.1549G>C, p.Gly517Arg (NM_001351059.2); c.1795G>C, p.Gly599Arg (NM_006053.4); short protein forms G517R, G599R, G815R.
Identifiers: ClinVar variation 1705587 (VCV001705587.1), dbSNP rs1308533755, ClinGen allele CA381592794.

ClinVar aggregate classification (germline): Uncertain significance (1 of 4 stars; one submission).

Conditions:
Autosomal recessive osteopetrosis 1. Also called: ALBERS-SCHONBERG DISEASE, AUTOSOMAL RECESSIVE; TCIRG1-Related Osteopetrosis; TCIRG1-Related Autosomal Recessive Osteopetrosis. Identifiers: Orphanet 667, MedGen C1850127, MONDO:0009815, OMIM 259700.

Submission:

3billion
Classification: Uncertain significance for Autosomal recessive osteopetrosis 1. Last evaluated: 2022-09-01. Review status: criteria provided, single submitter. Criteria: ACMG Guidelines, 2015. Collection method: clinical testing. Allele origin: germline. Affected: yes. Observed: 1 heterozygote.
Comment: The variant is not observed in the gnomAD v2.1.1 dataset. While this variant results in missense change, protein truncation variants are a common disease-causing mechanism. In silico tool predictions suggest damaging effect of the variant on gene or gene product (REVEL: 0.87; 3Cnet: 0.37). Therefore, this variant is classified as uncertain significance according to the recommendation of ACMG/AMP guideline.